The following is an entry in ClinVar:

NM_001323289.2(CDKL5):c.2291del (p.Asn764fs)

Gene: CDKL5 (cyclin dependent kinase like 5; plus strand). Cytogenetic location: Xp22.13.
Variant type: Deletion.
Coding change: c.2291del on transcript NM_001323289.2 (MANE Select); coding-DNA position 2291, one base deleted (A; older notation c.2291delA).
Protein change: p.Asn764fs; shifts the reading frame from asparagine 764.
Molecular consequence: frameshift variant.
Genome position (GRCh38, 1-based): chrX:18,619,881, A deleted; the last of 4 consecutive A bases (chrX:18,619,878-18,619,881); deleting any one gives the same sequence. VCF-style (leftmost placement, unchanged base first): chrX-18619877-GA-G. GRCh37 (hg19) VCF-style: chrX-18637997-GA-G.
Other names: c.2291del, p.Asn764fs (NM_001037343.2, NM_003159.3); short protein forms N764fs.
Identifiers: ClinVar variation 4823518 (VCV004823518.4).
Genomic context (GRCh38, chrX:18,619,877, plus strand): 5'-GCAAGAAAATGATTGAAAAATCAATATGATAAAAATGTCTTCTCATTTAGGAAAAGTCCT[GA>G]AAATATTAGTCATTCAGAGCAACTCAAGGAAAAAGAGAAGCAAGGATTTTTCAGGTCAAT-3'

ClinVar aggregate classification (germline): Pathogenic (1 of 4 stars; one submission).

Submission:

CeGaT Center for Human Genetics Tuebingen
Classification: Pathogenic. Last evaluated: 2026-02-01. Review status: criteria provided, single submitter. Criteria: CeGaT Center For Human Genetics Tuebingen Variant Classification Criteria Version 2. Collection method: clinical testing. Allele origin: germline. Affected: yes. Observed: 1 variant allele.
Comment: CDKL5: PVS1, PM2